The following is an entry in ClinVar:

NM_006514.4(SCN10A):c.5605C>G (p.Arg1869Gly)

Gene: SCN10A (sodium voltage-gated channel alpha subunit 10; minus strand). Cytogenetic location: 3p22.2.
Variant type: single nucleotide variant.
Coding change: c.5605C>G on transcript NM_006514.4 (MANE Select); coding-DNA position 5605, C replaced by G.
Protein change: p.Arg1869Gly; replaces arginine 1869 with glycine.
Molecular consequence: missense variant.
Genome position (GRCh38, 1-based): chr3:38,697,615, G>C on the plus strand (C>G on the coding strand, the complement: SCN10A is on the minus strand). VCF-style: chr3-38697615-G-C. GRCh37 (hg19) VCF-style: chr3-38739106-G-C.
Other names: c.5602C>G, p.Arg1868Gly (NM_001293306.2); c.5311C>G, p.Arg1771Gly (NM_001293307.2); short protein forms R1771G, R1868G, R1869G.
Identifiers: ClinVar variation 3625931 (VCV003625931.2).

ClinVar aggregate classification (germline): Uncertain significance (1 of 4 stars; one submission).

Conditions:
Brugada syndrome. Also called: Sudden Unexplained Death Syndrome; Sudden Unexplained Nocturnal Death Syndrome (SUNDS); Sudden unexplained nocturnal death syndrome; Sudden unexpected nocturnal death syndrome. Identifiers: Orphanet 130, MedGen C1142166, MONDO:0015263.

gnomAD v4.1: 6 of 1,613,994 alleles (0.00037%); highest among the groups gnomAD compares: Non-Finnish European, 0.00051%; no homozygotes.

Submission:

Labcorp Genetics (formerly Invitae), Labcorp
Classification: Uncertain significance for Brugada syndrome. Last evaluated: 2024-11-25. Review status: criteria provided, single submitter. Criteria: Invitae Variant Classification Sherloc (09022015). Collection method: clinical testing. Allele origin: germline.
Comment: This sequence change replaces arginine, which is basic and polar, with glycine, which is neutral and non-polar, at codon 1869 of the SCN10A protein (p.Arg1869Gly). This variant is present in population databases (no rsID available, gnomAD 0.002%). This missense change has been observed in individual(s) with atrial fibrillation (PMID: 25053638). This variant is also known as R1896G. Invitae Evidence Modeling of protein sequence and biophysical properties (such as structural, functional, and spatial information, amino acid conservation, physicochemical variation, residue mobility, and thermodynamic stability) indicates that this missense variant is not expected to disrupt SCN10A protein function with a negative predictive value of 80%. Experimental studies have shown that this missense change affects SCN10A function (PMID: 32948286). In summary, the available evidence is currently insufficient to determine the role of this variant in disease. Therefore, it has been classified as a Variant of Uncertain Significance.

Literature cited by the submitters: PubMed 25053638; PubMed 32948286.